The following is an entry in ClinVar:

NM_000350.3(ABCA4):c.1514T>C (p.Ile505Thr)

Gene: ABCA4 (ATP binding cassette subfamily A member 4; minus strand). Cytogenetic location: 1p22.1.
Variant type: single nucleotide variant.
Coding change: c.1514T>C on transcript NM_000350.3 (MANE Select); coding-DNA position 1514, T replaced by C.
Protein change: p.Ile505Thr; replaces isoleucine 505 with threonine.
Molecular consequence: missense variant.
Genome position (GRCh38, 1-based): chr1:94,077,730, A>G on the plus strand (T>C on the coding strand, the complement: ABCA4 is on the minus strand). VCF-style: chr1-94077730-A-G. GRCh37 (hg19) VCF-style: chr1-94543286-A-G.
Other names: c.1514T>C, p.Ile505Thr (NM_001425324.1); short protein forms I505T.
Identifiers: ClinVar variation 1412192 (VCV001412192.6), dbSNP rs2101100979, ClinGen allele CA341281869.
Genomic context (GRCh38, chr1:94,077,730, plus strand): 5'-TGGGGCTTGCAGCCCCTTACCTCCAGGTATTGATTGACCAGGCGGAGGGTGCGATCAGTG[A>G]TGTTAAATATGTCCCTCCAGTCGAAGTTGGCCATGTCGTCAGCCTGGCTTTCCCGAGGGC-3'
Protein context (NP_000341.2, residues 495-515): ANFDWRDIFN[Ile505Thr]TDRTLRLVNQ

ClinVar aggregate classification (germline): Uncertain significance (1 of 4 stars; one submission).

Submission:

Labcorp Genetics (formerly Invitae), Labcorp
Classification: Uncertain significance. Last evaluated: 2021-08-20. Review status: criteria provided, single submitter. Criteria: Invitae Variant Classification Sherloc (09022015). Collection method: clinical testing. Allele origin: germline.
Comment: In summary, the available evidence is currently insufficient to determine the role of this variant in disease. Therefore, it has been classified as a Variant of Uncertain Significance. Advanced modeling of protein sequence and biophysical properties (such as structural, functional, and spatial information, amino acid conservation, physicochemical variation, residue mobility, and thermodynamic stability) performed at Invitae indicates that this missense variant is not expected to disrupt ABCA4 protein function. This variant has not been reported in the literature in individuals affected with ABCA4-related conditions. This variant is not present in population databases (ExAC no frequency). This sequence change replaces isoleucine with threonine at codon 505 of the ABCA4 protein (p.Ile505Thr). The isoleucine residue is highly conserved and there is a moderate physicochemical difference between isoleucine and threonine.